The following is an entry in ClinVar:

ClinVar aggregate classification (germline): Uncertain significance (1 of 4 stars; one submission).

Allele frequency attached by ClinVar (database versions not stated): TOPMed 0.00001.

Submission:

Ambry Genetics
Classification: Uncertain significance. Last evaluated: 2024-04-19. Review status: criteria provided, single submitter. Criteria: Ambry Variant Classification Scheme 2023. Collection method: clinical testing. Allele origin: germline.
Comment: The p.L2013F variant (also known as c.6037C>T), located in coding exon 19 of the POLQ gene, results from a C to T substitution at nucleotide position 6037. The leucine at codon 2013 is replaced by phenylalanine, an amino acid with highly similar properties. This amino acid position is conserved. In addition, this alteration is predicted to be tolerated by in silico analysis. Since supporting evidence is limited at this time, the clinical significance of this alteration remains unclear.

NM_199420.4(POLQ):c.6037C>T (p.Leu2013Phe)

Gene: POLQ (DNA polymerase theta; minus strand). Cytogenetic location: 3q13.33.
Variant type: single nucleotide variant.
Coding change: c.6037C>T on transcript NM_199420.4 (MANE Select); coding-DNA position 6037, C replaced by T.
Protein change: p.Leu2013Phe; replaces leucine 2013 with phenylalanine.
Molecular consequence: missense variant.
Genome position (GRCh38, 1-based): chr3:121,481,746, G>A on the plus strand (C>T on the coding strand, the complement: POLQ is on the minus strand). VCF-style: chr3-121481746-G-A. GRCh37 (hg19) VCF-style: chr3-121200593-G-A.
Other names: short protein forms L2013F.
Identifiers: ClinVar variation 1751203 (VCV001751203.3), dbSNP rs1265234182, ClinGen allele CA354088104.
Genomic context (GRCh38, chr3:121,481,746, plus strand): 5'-CCAGGCTTTGAATCCCTTGGCTGGTCTCCATCCCTTCTAGGAGTGGAAGCTCATGAGGAA[G>A]AAAACTGGTAACTATGCTATGAAGAGTCGGCTCCTGAGAATCTGGATCTAGTAACCAGCA-3'
Protein context (NP_955452.3, residues 2003-2023): PTLHSIVTSF[Leu2013Phe]PHELPLLEGM